The following is an entry in ClinVar:

NM_003737.4(DCHS1):c.2768C>T (p.Ser923Leu)

Gene: DCHS1 (dachsous cadherin-related 1; minus strand). Cytogenetic location: 11p15.4.
Variant type: single nucleotide variant.
Coding change: c.2768C>T on transcript NM_003737.4 (MANE Select); coding-DNA position 2768, C replaced by T.
Protein change: p.Ser923Leu; replaces serine 923 with leucine.
Molecular consequence: missense variant.
Genome position (GRCh38, 1-based): chr11:6,632,744, G>A on the plus strand (C>T on the coding strand, the complement: DCHS1 is on the minus strand). VCF-style: chr11-6632744-G-A. GRCh37 (hg19) VCF-style: chr11-6653975-G-A.
Other names: c.2768C>T (NM_003737.2); short protein forms S923L.
Identifiers: ClinVar variation 1215406 (VCV001215406.11), dbSNP rs368647467, ClinGen allele CA5860658.

ClinVar aggregate classification (germline): Uncertain significance. Review status: criteria provided, multiple submitters, no conflicts (2 of 4 stars). 3 submissions from 3 submitters: Uncertain significance (3). Last evaluated 2026-01-24.

Conditions:
Inborn genetic diseases. Identifiers: MedGen C0950123, MeSH D030342.

Allele frequency attached by ClinVar (database versions not stated): gnomAD exomes 0.00001 and 0.00002; ExAC 0.00005; gnomAD 0.00006 and 0.00007; TOPMed 0.00009.
gnomAD v4.1: 69 of 1,611,172 alleles (0.0043%); highest among the groups gnomAD compares: East Asian, 0.031%; 2 homozygotes.

Submissions (3):

Labcorp Genetics (formerly Invitae), Labcorp
Classification: Uncertain significance. Last evaluated: 2026-01-24. Review status: criteria provided, single submitter. Criteria: Invitae Variant Classification Sherloc (09022015). Collection method: clinical testing. Allele origin: germline.
Comment: This sequence change replaces serine, which is neutral and polar, with leucine, which is neutral and non-polar, at codon 923 of the DCHS1 protein (p.Ser923Leu). This variant is present in population databases (rs368647467, gnomAD 0.03%). This variant has not been reported in the literature in individuals affected with DCHS1-related conditions. ClinVar contains an entry for this variant (Variation ID: 1215406). Invitae Evidence Modeling of protein sequence and biophysical properties (such as structural, functional, and spatial information, amino acid conservation, physicochemical variation, residue mobility, and thermodynamic stability) indicates that this missense variant is expected to disrupt DCHS1 protein function with a positive predictive value of 80%. In summary, the available evidence is currently insufficient to determine the role of this variant in disease. Therefore, it has been classified as a Variant of Uncertain Significance.

GeneDx
Classification: Uncertain significance. Last evaluated: 2024-06-12. Review status: criteria provided, single submitter. Criteria: GeneDx Variant Classification Process June 2021. Collection method: clinical testing. Allele origin: germline. Affected: yes.
Comment: In silico analysis supports that this missense variant has a deleterious effect on protein structure/function; Has not been previously published as pathogenic or benign to our knowledge

Ambry Genetics
Classification: Uncertain significance for Inborn genetic diseases. Last evaluated: 2023-05-31. Review status: criteria provided, single submitter. Criteria: Ambry Variant Classification Scheme 2023. Collection method: clinical testing. Allele origin: germline.